The following is an entry in ClinVar:

NM_001378457.1(DMXL2):c.2912T>C (p.Ile971Thr)

Gene: DMXL2 (Dmx like 2; minus strand). Cytogenetic location: 15q21.2.
Variant type: single nucleotide variant.
Coding change: c.2912T>C on transcript NM_001378457.1 (MANE Select); coding-DNA position 2912, T replaced by C.
Protein change: p.Ile971Thr; replaces isoleucine 971 with threonine.
Molecular consequence: missense variant. On other transcripts: non-coding transcript variant (2), intron variant (2).
Genome position (GRCh38, 1-based): chr15:51,502,886, A>G on the plus strand (T>C on the coding strand, the complement: DMXL2 is on the minus strand). VCF-style: chr15-51502886-A-G. GRCh37 (hg19) VCF-style: chr15-51795083-A-G.
Other names: c.2912T>C, p.Ile971Thr (NM_001174116.3, NM_001378458.1, NM_001378459.1 and 4 more transcripts); c.2672T>C, p.Ile891Thr (NM_001378464.1); c.2764+4248T>C (NM_001378460.1, NM_001174117.3); short protein forms I891T, I971T.
Identifiers: ClinVar variation 1065096 (VCV001065096.3), dbSNP rs929185965, ClinGen allele CA270576885.
Genomic context (GRCh38, chr15:51,502,886, plus strand): 5'-ATTACTTCAACTGATTCTGGGAGATCAAGGGGTTGGCTATACACCAGTCTAGAACTCAGA[A>G]TAAGTTTACTGGCAGTTTGAAGATTGGCAATTGATGAAGAATGTGGCATGGGGCTCACAC-3'
Protein context (NP_001365386.1, residues 961-981): IANLQTASKL[Ile971Thr]LSSRLVYSQP

ClinVar aggregate classification (germline): Likely benign (1 of 4 stars; one submission).

Conditions:
Hearing impairment. Also called: Impaired Hearing. Identifiers: MedGen C1384666, MONDO:0005365, HP:0000365.

Allele frequency attached by ClinVar (database versions not stated): gnomAD exomes below 0.00001 and 0.00001; TOPMed 0.00001.
gnomAD v4.1: 9 of 1,614,132 alleles (0.00056%); highest among the groups gnomAD compares: Non-Finnish European, 0.00076%; no homozygotes.

Submission:

Department of Otolaryngology – Head & Neck Surgery, Cochlear Implant Center
Classification: Likely benign for Hearing impairment. Last evaluated: 2021-04-12. Review status: criteria provided, single submitter. Criteria: ClinGen HL ACMG Specifications v1. Collection method: clinical testing. Allele origin: germline. Affected: yes.
Comment: PM2_Moderate, BP4_Supporting, BP5_Supporting